The following is an entry in ClinVar:

NM_002693.3(POLG):c.1639G>T (p.Ala547Ser)

Gene: POLG (DNA polymerase gamma, catalytic subunit; minus strand). Cytogenetic location: 15q26.1.
Variant type: single nucleotide variant.
Coding change: c.1639G>T on transcript NM_002693.3 (MANE Select); coding-DNA position 1639, G replaced by T.
Protein change: p.Ala547Ser; replaces alanine 547 with serine.
Molecular consequence: missense variant.
Genome position (GRCh38, 1-based): chr15:89,326,685, C>A on the plus strand (G>T on the coding strand, the complement: POLG is on the minus strand). VCF-style: chr15-89326685-C-A. GRCh37 (hg19) VCF-style: chr15-89869916-C-A.
Other names: p.Ala547Ser; c.1639G>T, p.Ala547Ser (NM_001126131.2); short protein forms A547S.
Identifiers: ClinVar variation 619318 (VCV000619318.8), dbSNP rs779353857, ClinGen allele CA7724737.
Genomic context (GRCh38, chr15:89,326,685, plus strand): 5'-GAAGGTGCTGGGGCCGCTTGGGCAGGAGCTCTGTGGTCCCCTTCAGCTTCTGCAAGCAGG[C>A]GCGGGCCATGACATCTTGTTGAAACTCCTCCTCCTCACTGCAGGGGCCGAGGTCTGTGAG-3'
Protein context (NP_002684.1, residues 537-557): EEFQQDVMAR[Ala547Ser]CLQKLKGTTE

ClinVar aggregate classification (germline): Uncertain significance. Review status: criteria provided, multiple submitters, no conflicts (2 of 4 stars). 3 submissions from 3 submitters: Uncertain significance (3). Last evaluated 2023-06-09.

Conditions:
Progressive sclerosing poliodystrophy (MTDPS4A). Also called: Alpers-Huttenlocher Syndrome (AHS); Alpers Syndrome; ALPERS PROGRESSIVE INFANTILE POLIODYSTROPHY; Mitochondrial DNA depletion syndrome 4A (Alpers type); ALPERS DIFFUSE DEGENERATION OF CEREBRAL GRAY MATTER WITH HEPATIC CIRRHOSIS; Alpers-Huttenlocher Syndrome. Identifiers: Orphanet 726, MedGen C0205710, MONDO:0008758, OMIM 203700.

Submissions (3):

Mayo Clinic Laboratories, Mayo Clinic
Classification: Uncertain significance. Last evaluated: 2023-06-09. Review status: criteria provided, single submitter. Criteria: ACMG Guidelines, 2015. Collection method: clinical testing. Allele origin: germline. Observed: 1 variant allele.
Comment: BP4, PM2_moderate

Labcorp Genetics (formerly Invitae), Labcorp
Classification: Uncertain significance for Progressive sclerosing poliodystrophy. Last evaluated: 2021-08-31. Review status: criteria provided, single submitter. Criteria: Invitae Variant Classification Sherloc (09022015). Collection method: clinical testing. Allele origin: germline.
Comment: This sequence change replaces alanine with serine at codon 547 of the POLG protein (p.Ala547Ser). The alanine residue is weakly conserved and there is a moderate physicochemical difference between alanine and serine. This variant is present in population databases (rs779353857, ExAC 0.002%). This variant has not been reported in the literature in individuals affected with POLG-related conditions. Algorithms developed to predict the effect of missense changes on protein structure and function (SIFT, PolyPhen-2, Align-GVGD) all suggest that this variant is likely to be tolerated. In summary, the available evidence is currently insufficient to determine the role of this variant in disease. Therefore, it has been classified as a Variant of Uncertain Significance.

Wong Mito Lab, Molecular and Human Genetics, Baylor College of Medicine
Classification: Uncertain significance for Progressive sclerosing poliodystrophy. Last evaluated: 2018-10-01. Review status: criteria provided, single submitter. Criteria: ACMG Guidelines, 2015. Collection method: clinical testing. Allele origin: germline.
Comment: The NM_002693.2:c.1639G>T (NP_002684.1:p.Ala547Ser) [GRCH38: NC_000015.10:g.89326685C>A] variant in POLG gene is interpretated to be a Uncertain Significance based on ACMG guidelines (PMID: 25741868). This variant meets the following evidence codes reported in the ACMG-guideline. BP4:Computational evidence/predictors indicate no impact on the POLG structure, function, or protein-protein interaction. Based on the evidence criteria codes applied, the variant is suggested to be Uncertain Significance.

Literature cited by the submitters: PubMed 31799610 (cited by Mayo Clinic Laboratories, Mayo Clinic).